The following is an entry in ClinVar:

NM_001142864.4(PIEZO1):c.4754A>G (p.Asn1585Ser)

Gene: PIEZO1 (piezo type mechanosensitive ion channel component 1 (Er blood group); minus strand). Cytogenetic location: 16q24.3.
Variant type: single nucleotide variant.
Coding change: c.4754A>G on transcript NM_001142864.4 (MANE Select); coding-DNA position 4754, A replaced by G.
Protein change: p.Asn1585Ser; replaces asparagine 1585 with serine.
Molecular consequence: missense variant.
Genome position (GRCh38, 1-based): chr16:88,722,604, T>C on the plus strand (A>G on the coding strand, the complement: PIEZO1 is on the minus strand). VCF-style: chr16-88722604-T-C. GRCh37 (hg19) VCF-style: chr16-88789012-T-C.
Other names: c.4754A>G, p.Asn1585Ser (LRG_1137t1); short protein forms N1585S.
Identifiers: ClinVar variation 618786 (VCV000618786.27), dbSNP rs114034093, ClinGen allele CA8232057.

ClinVar aggregate classification (germline): Benign/Likely benign. Review status: criteria provided, multiple submitters, no conflicts (2 of 4 stars). 5 submissions from 5 submitters: Benign (4); Likely benign (1). Last evaluated 2026-01-26.

Allele frequency attached by ClinVar (database versions not stated): gnomAD exomes 0.00355; ExAC 0.00624; gnomAD 0.01602 and 0.01717; 1000 Genomes Project 30x 0.01733; 1000 Genomes Project 0.01757; TOPMed 0.01847.
gnomAD v4.1: 4,692 of 1,537,282 alleles (0.31%); highest among the groups gnomAD compares: African/African-American, 5.6%; 119 homozygotes.

Submissions (5):

Labcorp Genetics (formerly Invitae), Labcorp
Classification: Benign. Last evaluated: 2026-01-26. Review status: criteria provided, single submitter. Criteria: Invitae Variant Classification Sherloc (09022015). Collection method: clinical testing. Allele origin: germline.

Mayo Clinic Laboratories, Mayo Clinic
Classification: Likely benign. Last evaluated: 2025-11-13. Review status: criteria provided, single submitter. Criteria: ACMG Guidelines, 2015. Collection method: clinical testing. Allele origin: germline. Observed: 58 variant alleles.
Comment: BS1, BS2, BP4

ARUP Laboratories, Molecular Genetics and Genomics, ARUP Laboratories
Classification: Benign. Last evaluated: 2025-07-01. Review status: criteria provided, single submitter. Criteria: ARUP Molecular Germline Variant Investigation Process 2024. Collection method: clinical testing. Allele origin: germline.

GeneDx
Classification: Benign. Last evaluated: 2018-07-05. Review status: criteria provided, single submitter. Criteria: GeneDx Variant Classification Process June 2021. Collection method: clinical testing. Allele origin: germline. Affected: yes.

Breakthrough Genomics
Classification: Benign. Review status: criteria provided, single submitter. Criteria: ACMG Guidelines, 2015. Collection method: not provided. Allele origin: germline. Inheritance: Autosomal recessive inheritance. Affected: yes.